The following is an entry in ClinVar:

ClinVar aggregate classification (germline): Conflicting classifications of pathogenicity. Review status: criteria provided, conflicting classifications (1 of 4 stars). 2 submissions from 2 submitters: Uncertain significance (1); Likely benign (1). Last evaluated 2025-05-18.

Conditions:
Catecholaminergic polymorphic ventricular tachycardia 1. Also called: VENTRICULAR TACHYCARDIA, STRESS-INDUCED POLYMORPHIC 1; VENTRICULAR TACHYCARDIA, CATECHOLAMINERGIC POLYMORPHIC, 1, WITH OR WITHOUT ATRIAL DYSFUNCTION AND/OR DILATED CARDIOMYOPATHY; RYR2-Related Catecholaminergic Polymorphic Ventricular Tachycardia. Identifiers: Orphanet 3286, MedGen C1631597, MONDO:0011484, OMIM 604772.

Allele frequency attached by ClinVar (database versions not stated): gnomAD 0.00001; TOPMed 0.00001.
gnomAD v4.1: 2 of 1,612,712 alleles (0.00012%); highest among the groups gnomAD compares: African/African-American, 0.0013%; no homozygotes.

Submissions (2):

Labcorp Genetics (formerly Invitae), Labcorp
Classification: Likely benign for Catecholaminergic polymorphic ventricular tachycardia 1. Last evaluated: 2025-05-18. Review status: criteria provided, single submitter. Criteria: Invitae Variant Classification Sherloc (09022015). Collection method: clinical testing. Allele origin: germline.

GeneDx
Classification: Uncertain significance. Last evaluated: 2025-04-25. Review status: criteria provided, single submitter. Criteria: GeneDx Variant Classification Process June 2021. Collection method: clinical testing. Allele origin: germline. Affected: yes.
Comment: In silico analysis indicates that this variant does not alter splicing; Has not been previously published as pathogenic or benign to our knowledge

NM_006073.4(TRDN):c.1274-6T>A

Gene: TRDN (triadin; minus strand). Cytogenetic location: 6q22.31.
Variant type: single nucleotide variant.
Coding change: c.1274-6T>A on transcript NM_006073.4 (MANE Select); 6 bases into the intron before coding-DNA position 1274, T replaced by A.
Molecular consequence: intron variant.
Genome position (GRCh38, 1-based): chr6:123,366,188, A>T on the plus strand (T>A on the coding strand, the complement: TRDN is on the minus strand). VCF-style: chr6-123366188-A-T. GRCh37 (hg19) VCF-style: chr6-123687333-A-T.
Other names: c.1277-6T>A (NM_001251987.2).
Identifiers: ClinVar variation 1015403 (VCV001015403.9), dbSNP rs1034356533, ClinGen allele CA147256173.